The following is an entry in ClinVar:

NM_015915.5(ATL1):c.35-1G>A

Gene: ATL1 (atlastin GTPase 1; plus strand). Cytogenetic location: 14q22.1.
Variant type: single nucleotide variant.
Coding change: c.35-1G>A on transcript NM_015915.5 (MANE Select); the canonical splice acceptor site of the intron before coding-DNA position 35, G replaced by A.
Molecular consequence: splice acceptor variant.
Genome position (GRCh38, 1-based): chr14:50,587,830, G>A. VCF-style: chr14-50587830-G-A. GRCh37 (hg19) VCF-style: chr14-51054548-G-A.
Other names: c.35-1G>A (NM_001127713.1, NM_181598.4).
Identifiers: ClinVar variation 2698667 (VCV002698667.3), dbSNP rs2504484068, ClinGen allele CA389665128.
Genomic context (GRCh38, chr14:50,587,830, plus strand): 5'-CATATACATTTCTTGGCACTTTGAGATGATTAGCTGAACCAGTCACTGCTCTGTTCAACA[G>A]GTGGATTTTCGGAAAAGACATATGAATGGAGCTCAGAAGAGGAGGAGCCAGTGAAAAAGG-3'

ClinVar aggregate classification (germline): Likely pathogenic (1 of 4 stars; one submission).

Conditions:
Hereditary spastic paraplegia 3A (SPG3A). Also called: SPASTIC PARAPLEGIA 3, AUTOSOMAL DOMINANT; FAMILIAL SPASTIC PARAPLEGIA, AUTOSOMAL DOMINANT, 1; SPG3; STRUMPELL DISEASE; Spastic Paraplegia 3A; Spastic paraplegia 3A, autosomal dominant. Identifiers: Orphanet 100984, MedGen C2931355, MONDO:0008437, OMIM 182600.

Submission:

Labcorp Genetics (formerly Invitae), Labcorp
Classification: Likely pathogenic for Hereditary spastic paraplegia 3A. Last evaluated: 2023-11-24. Review status: criteria provided, single submitter. Criteria: Invitae Variant Classification Sherloc (09022015). Collection method: clinical testing. Allele origin: germline.
Comment: This sequence change affects an acceptor splice site in intron 1 of the ATL1 gene. It is expected to disrupt RNA splicing. Variants that disrupt the donor or acceptor splice site typically lead to a loss of protein function (PMID: 16199547), and loss-of-function variants in ATL1 are known to be pathogenic (PMID: 26888483). This variant is not present in population databases (gnomAD no frequency). This variant has not been reported in the literature in individuals affected with ATL1-related conditions. Algorithms developed to predict the effect of sequence changes on RNA splicing suggest that this variant may disrupt the consensus splice site. In summary, the currently available evidence indicates that the variant is pathogenic, but additional data are needed to prove that conclusively. Therefore, this variant has been classified as Likely Pathogenic.

Literature cited by the submitters: PubMed 16199547; PubMed 26888483.